The following is an entry in ClinVar:

NM_000089.4(COL1A2):c.2234G>A (p.Gly745Glu)

Gene: COL1A2 (collagen type I alpha 2 chain; plus strand). Cytogenetic location: 7q21.3.
Variant type: single nucleotide variant.
Coding change: c.2234G>A on transcript NM_000089.4 (MANE Select); coding-DNA position 2234, G replaced by A.
Protein change: p.Gly745Glu; replaces glycine 745 with glutamic acid.
Molecular consequence: missense variant.
Genome position (GRCh38, 1-based): chr7:94,420,587, G>A. VCF-style: chr7-94420587-G-A. GRCh37 (hg19) VCF-style: chr7-94049899-G-A.
Other names: short protein forms G745E.
Identifiers: ClinVar variation 3363155 (VCV003363155.1).

ClinVar aggregate classification (germline): Likely pathogenic (1 of 4 stars; one submission).

Conditions:
Osteogenesis imperfecta type III (OI3). Also called: Progressively Deforming Osteogenesis Imperfecta; Osteogenesis imperfecta type 3; OI type 3; Osteogenesis imperfecta, progressively deforming with normal sclerae; OI type III. Identifiers: Orphanet 216812, Orphanet 666, MedGen C0268362, MONDO:0009804, OMIM 259420.

Submission:

Clinical Genetics and Genomics, Karolinska University Hospital
Classification: Likely pathogenic for Osteogenesis imperfecta type III. Last evaluated: 2024-09-10. Review status: criteria provided, single submitter. Criteria: ACMG Guidelines, 2015. Collection method: clinical testing. Allele origin: de novo. Affected: yes.